The following is an entry in ClinVar:

NM_000141.5(FGFR2):c.959C>T (p.Thr320Met)

Gene: FGFR2 (fibroblast growth factor receptor 2; minus strand). Cytogenetic location: 10q26.13.
Variant type: single nucleotide variant.
Coding change: c.959C>T on transcript NM_000141.5 (MANE Select); coding-DNA position 959, C replaced by T.
Protein change: p.Thr320Met; replaces threonine 320 with methionine.
Molecular consequence: missense variant. On other transcripts: non-coding transcript variant (1), intron variant (5).
Genome position (GRCh38, 1-based): chr10:121,517,444, G>A on the plus strand (C>T on the coding strand, the complement: FGFR2 is on the minus strand). VCF-style: chr10-121517444-G-A. GRCh37 (hg19) VCF-style: chr10-123276958-G-A.
Other names: c.692C>T, p.Thr231Met (NM_001144915.2, NM_023029.3); c.614C>T, p.Thr205Met (NM_001144916.2, NM_001144918.2); c.275C>T, p.Thr92Met (NM_001320654.2); c.959C>T, p.Thr320Met (NM_001320658.2); c.749-2125C>T (NM_001144914.1); c.939+2535C>T (NM_001144917.2); c.1087+1238C>T (NM_022970.4, NM_001144913.1); c.820+1238C>T (NM_001144919.2); short protein forms T205M, T231M, T320M, T92M.
Identifiers: ClinVar variation 1326810 (VCV001326810.3), dbSNP rs2134259953, ClinGen allele CA378328489.

ClinVar aggregate classification (germline): Uncertain significance. Review status: criteria provided, multiple submitters, no conflicts (2 of 4 stars). 2 submissions from 2 submitters: Uncertain significance (2). Last evaluated 2021-05-25.

Allele frequency attached by ClinVar (database versions not stated): gnomAD exomes 0.00001.
gnomAD v4.1: 8 of 1,614,116 alleles (0.0005%); highest among the groups gnomAD compares: Non-Finnish European, 0.00068%; no homozygotes.

Submissions (2):

GeneDx
Classification: Uncertain significance. Last evaluated: 2021-05-25. Review status: criteria provided, single submitter. Criteria: GeneDx Variant Classification Process June 2021. Collection method: clinical testing. Allele origin: germline. Affected: yes.
Comment: Not observed at significant frequency in large population cohorts (Lek et al., 2016); In silico analysis supports that this missense variant has a deleterious effect on protein structure/function; Has not been previously published as pathogenic or benign to our knowledge

Blueprint Genetics
Classification: Uncertain significance. Last evaluated: 2019-10-14. Review status: criteria provided, single submitter. Criteria: ACMG Guidelines, 2015. Collection method: clinical testing. Allele origin: germline.